The following is an entry in ClinVar:

ClinVar aggregate classification (germline): Conflicting classifications of pathogenicity. Review status: criteria provided, conflicting classifications (1 of 4 stars). 7 submissions from 7 submitters: Uncertain significance (2); Likely benign (4). 1 of the submissions does not count toward it. Last evaluated 2025-12-01.

Conditions:
SZT2-related disorder. Also called: SZT2-related condition.
Inborn genetic diseases. Identifiers: MedGen C0950123, MeSH D030342.
Developmental and epileptic encephalopathy, 18 (DEE18). Also called: Early infantile epileptic encephalopathy 18. Identifiers: Orphanet 369894, MedGen C3809624, MONDO:0014201, OMIM 615476.

Allele frequency attached by ClinVar (database versions not stated): gnomAD 0.00001 and 0.00008; TOPMed 0.00004; gnomAD exomes 0.00023 and 0.00047; ExAC 0.00059; 1000 Genomes Project 30x 0.00062; 1000 Genomes Project 0.00080.
gnomAD v4.1: 339 of 1,613,682 alleles (0.021%); highest among the groups gnomAD compares: South Asian, 0.35%; 3 homozygotes.

Submissions (7):

Labcorp Genetics (formerly Invitae), Labcorp
Classification: Likely benign. Last evaluated: 2025-12-01. Review status: criteria provided, single submitter. Criteria: Invitae Variant Classification Sherloc (09022015). Collection method: clinical testing. Allele origin: germline.

GeneDx
Classification: Likely benign. Last evaluated: 2024-12-19. Review status: criteria provided, single submitter. Criteria: GeneDx Variant Classification Process June 2021. Collection method: clinical testing. Allele origin: germline. Affected: yes.
Comment: See Variant Classification Assertion Criteria.

Blueprint Genetics
Classification: Uncertain significance. Last evaluated: 2023-06-16. Review status: criteria provided, single submitter. Criteria: ACMG Guidelines, 2015. Collection method: clinical testing. Allele origin: germline.

Ambry Genetics
Classification: Likely benign for Inborn genetic diseases. Last evaluated: 2023-03-24. Review status: criteria provided, single submitter. Criteria: Ambry Variant Classification Scheme 2023. Collection method: clinical testing. Allele origin: germline.

CeGaT Center for Human Genetics Tuebingen
Classification: Likely benign. Last evaluated: 2020-03-01. Review status: criteria provided, single submitter. Criteria: CeGaT Center For Human Genetics Tuebingen Variant Classification Criteria Version 2. Collection method: clinical testing. Allele origin: germline. Affected: yes. Observed: 1 variant allele.

Baylor Genetics
Classification: Uncertain significance for Developmental and epileptic encephalopathy, 18. Last evaluated: 2018-06-28. Review status: criteria provided, single submitter. Criteria: ACMG Guidelines, 2015. Collection method: clinical testing. Allele origin: maternal. Affected: yes.
Comment: This variant was determined to be of uncertain significance according to ACMG Guidelines, 2015 [PMID:25741868].

PreventionGenetics, part of Exact Sciences
Classification: Likely benign for SZT2-related condition. Last evaluated: 2021-02-01. Review status: no assertion criteria provided. Collection method: clinical testing. Allele origin: germline. Not counted in ClinVar's aggregate classification.
Comment: This variant is classified as likely benign based on ACMG/AMP sequence variant interpretation guidelines (Richards et al. 2015 PMID: 25741868, with internal and published modifications).

NM_001365999.1(SZT2):c.3782C>T (p.Ala1261Val)

Gene: SZT2 (SZT2 subunit of KICSTOR complex; plus strand). Cytogenetic location: 1p34.2.
Variant type: single nucleotide variant.
Coding change: c.3782C>T on transcript NM_001365999.1 (MANE Select); coding-DNA position 3782, C replaced by T.
Protein change: p.Ala1261Val; replaces alanine 1261 with valine.
Molecular consequence: missense variant.
Genome position (GRCh38, 1-based): chr1:43,427,713, C>T. VCF-style: chr1-43427713-C-T. GRCh37 (hg19) VCF-style: chr1-43893384-C-T.
Other names: c.3611C>T, p.Ala1204Val (NM_015284.4); short protein forms A1204V, A1261V.
Identifiers: ClinVar variation 588041 (VCV000588041.60), dbSNP rs200635457, ClinGen allele CA809084.
Genomic context (GRCh38, chr1:43,427,713, plus strand): 5'-TCTACAGCTGTTCACTGGAAGCGCTGAGGGAACAAATGGTTGGCATGCAGCCCCCTCAGG[C>T]GCCCCGAGACCTCATCTTCCGGTGAGTGCCTTCAGTGTTGACCTAAGTCCTCGCCGGGCC-3'
Protein context (NP_001352928.1, residues 1251-1271): EQMVGMQPPQ[Ala1261Val]PRDLIFRTQF